The following is an entry in ClinVar:

NM_006343.3(MERTK):c.526A>C (p.Lys176Gln)

Gene: MERTK (MER proto-oncogene, tyrosine kinase; plus strand). Cytogenetic location: 2q13.
Variant type: single nucleotide variant.
Coding change: c.526A>C on transcript NM_006343.3 (MANE Select); coding-DNA position 526, A replaced by C.
Protein change: p.Lys176Gln; replaces lysine 176 with glutamine.
Molecular consequence: missense variant.
Genome position (GRCh38, 1-based): chr2:111,945,003, A>C. VCF-style: chr2-111945003-A-C. GRCh37 (hg19) VCF-style: chr2-112702580-A-C.
Other names: c.526A>C (NM_006343.2); short protein forms K176Q.
Identifiers: ClinVar variation 1044528 (VCV001044528.11), dbSNP rs776424157, ClinGen allele CA1831070.

ClinVar aggregate classification (germline): Uncertain significance. Review status: criteria provided, multiple submitters, no conflicts (2 of 4 stars). 4 submissions from 4 submitters: Uncertain significance (3). 1 of the submissions does not count toward it. Last evaluated 2025-06-19.

Conditions:
Retinal dystrophy. Also called: Inherited retinal dystrophy. Identifiers: Orphanet 71862, MedGen C0854723, MeSH D058499, MONDO:0019118, HP:0000556.
Inborn genetic diseases. Identifiers: MedGen C0950123, MeSH D030342.

Allele frequency attached by ClinVar (database versions not stated): ExAC 0.00002; gnomAD 0.00002; gnomAD exomes 0.00002 and 0.00005; TOPMed 0.00004.
gnomAD v4.1: 76 of 1,613,750 alleles (0.0047%); highest among the groups gnomAD compares: Non-Finnish European, 0.0061%; no homozygotes.

Submissions (4):

Ambry Genetics
Classification: Uncertain significance for Inborn genetic diseases. Last evaluated: 2025-06-19. Review status: criteria provided, single submitter. Criteria: Ambry Variant Classification Scheme 2023. Collection method: clinical testing. Allele origin: germline.

Labcorp Genetics (formerly Invitae), Labcorp
Classification: Uncertain significance. Last evaluated: 2024-10-25. Review status: criteria provided, single submitter. Criteria: Invitae Variant Classification Sherloc (09022015). Collection method: clinical testing. Allele origin: germline.
Comment: This sequence change replaces lysine, which is basic and polar, with glutamine, which is neutral and polar, at codon 176 of the MERTK protein (p.Lys176Gln). This variant is present in population databases (rs776424157, gnomAD 0.005%). This variant has not been reported in the literature in individuals affected with MERTK-related conditions. ClinVar contains an entry for this variant (Variation ID: 1044528). Invitae Evidence Modeling of protein sequence and biophysical properties (such as structural, functional, and spatial information, amino acid conservation, physicochemical variation, residue mobility, and thermodynamic stability) indicates that this missense variant is not expected to disrupt MERTK protein function with a negative predictive value of 80%. In summary, the available evidence is currently insufficient to determine the role of this variant in disease. Therefore, it has been classified as a Variant of Uncertain Significance.

Blueprint Genetics
Classification: Uncertain significance. Last evaluated: 2019-06-24. Review status: criteria provided, single submitter. Criteria: ACMG Guidelines, 2015. Collection method: clinical testing. Allele origin: germline.

Institute of Human Genetics, Univ. Regensburg, Univ. Regensburg
Classification: Uncertain significance for Retinal dystrophy. Last evaluated: 2023-01-01. Review status: no assertion criteria provided. Criteria: ACMG Guidelines, 2015. Collection method: clinical testing. Allele origin: germline. Affected: yes. Not counted in ClinVar's aggregate classification.